The following is an entry in ClinVar:

ClinVar aggregate classification (germline): Uncertain significance (1 of 4 stars; one submission).

Conditions:
Hereditary cancer-predisposing syndrome. Also called: Neoplastic Syndromes, Hereditary; Tumor predisposition; Hereditary Cancer Syndrome; Hereditary neoplastic syndrome. Identifiers: Orphanet 140162, MedGen C0027672, MeSH D009386, MONDO:0015356.

Submission:

Ambry Genetics
Classification: Uncertain significance for Hereditary cancer-predisposing syndrome. Last evaluated: 2025-09-29. Review status: criteria provided, single submitter. Criteria: Ambry Variant Classification Scheme 2023. Collection method: clinical testing. Allele origin: germline.
Comment: The p.L443P variant (also known as c.1328T>C), located in coding exon 9 of the ATM gene, results from a T to C substitution at nucleotide position 1328. The leucine at codon 443 is replaced by proline, an amino acid with similar properties. This amino acid position is conserved. In addition, the in silico prediction for this alteration is inconclusive. Based on the available evidence, the clinical significance of this variant remains unclear.

NM_000051.4(ATM):c.1328T>C (p.Leu443Pro)

Gene: ATM (ATM serine/threonine kinase; plus strand). Cytogenetic location: 11q22.3.
Variant type: single nucleotide variant.
Coding change: c.1328T>C on transcript NM_000051.4 (MANE Select); coding-DNA position 1328, T replaced by C.
Protein change: p.Leu443Pro; replaces leucine 443 with proline.
Molecular consequence: missense variant.
Genome position (GRCh38, 1-based): chr11:108,250,793, T>C. VCF-style: chr11-108250793-T-C. GRCh37 (hg19) VCF-style: chr11-108121520-T-C.
Other names: c.1328T>C, p.Leu443Pro (NM_001351834.2); short protein forms L443P.
Identifiers: ClinVar variation 4617416 (VCV004617416.1).